The following is an entry in ClinVar:

ClinVar aggregate classification (germline): Uncertain significance (1 of 4 stars; one submission).

Submission:

GeneDx
Classification: Uncertain significance. Last evaluated: 2026-03-05. Review status: criteria provided, single submitter. Criteria: GeneDx Variant Classification Process June 2021. Collection method: clinical testing. Allele origin: germline.
Comment: Not observed at significant frequency in large population cohorts (gnomAD); In-frame deletion of 5 amino acid(s) and insertion of 1 different amino acid(s) in a non-repeat region; In silico analysis supports a deleterious effect on protein structure/function; Has not been previously published as pathogenic or benign to our knowledge

NM_015057.5(MYCBP2):c.10323_10334del (p.Asn3441_Glu3445delinsLys)

Gene: MYCBP2 (MYC binding protein 2; minus strand). Cytogenetic location: 13q22.3.
Variant type: Deletion.
Coding change: c.10323_10334del on transcript NM_015057.5 (MANE Select); coding-DNA positions 10323 to 10334, 12 bases deleted (TGTATTTGAAGA).
Protein change: p.Asn3441_Glu3445delinsLys.
Molecular consequence: inframe indel.
Genome position (GRCh38, 1-based): chr13:77,093,198-77,093,209, TCTTCAAATACA deleted on the plus strand (TGTATTTGAAGA on the coding strand, the reverse complement: MYCBP2 is on the minus strand); deleting any 12 consecutive bases within chr13:77,093,198-77,093,210 gives the same sequence; the c. name uses the placement nearest the transcript's 3' end. VCF-style (leftmost placement, unchanged base first): chr13-77093197-CTCTTCAAATACA-C. GRCh37 (hg19) VCF-style: chr13-77667332-CTCTTCAAATACA-C.
Identifiers: ClinVar variation 5010037 (VCV005010037.1).
Genomic context (GRCh38, chr13:77,093,197, plus strand): 5'-TTCAACAGACAGGAGAGAACTAAAATACCTTGGTGGCATAGACTTCATATTGCTCTCTGG[CTCTTCAAATACA>C]TTAGGACTTGCATCAGGAGTTACTGATATATACGGGGCAGGTACAGATGTTGAACGTAGA-3'